The following is an entry in ClinVar:

ClinVar aggregate classification (germline): Likely pathogenic (1 of 4 stars; one submission).

Conditions:
Pendred syndrome (PDS). Also called: THYROID DYSHORMONOGENESIS 2B; THYROID HORMONOGENESIS, GENETIC DEFECT IN, 2B; Pendred Syndrome (PDS); DEAFNESS WITH GOITER; GOITER-DEAFNESS SYNDROME; HYPOTHYROIDISM, CONGENITAL, DUE TO DYSHORMONOGENESIS, 2B. Identifiers: Orphanet 705, MedGen C0271829, MONDO:0010134, OMIM 274600.

Submission:

Natera, Inc.
Classification: Likely pathogenic for Pendred syndrome. Last evaluated: 2024-12-09. Review status: criteria provided, single submitter. Criteria: Natera Variant Classification Schema (03/2026). Collection method: clinical testing. Allele origin: germline.
Comment: The c.1204G>T variant in SLC26A4 is a missense variant predicted to cause substitution of valine to leucine at amino acid 402. This variant is rare in the general population with a frequency below the threshold expected for the associated phenotype(s). This variant has been observed in one or more individuals affected with the associated recessive disease, as either homozygous or compound heterozygous with a second variant (PMID: 37108562). A different variant at the same position has been determined to be Pathogenic or Likely Pathogenic. Computational prediction algorithms indicate this variant is likely to affect gene or protein function. Given the available evidence, this variant is classified as Likely Pathogenic.

Literature cited by the submitters: PubMed 37108562.

NM_000441.2(SLC26A4):c.1204G>T (p.Val402Leu)

Gene: SLC26A4 (solute carrier family 26 member 4; plus strand). Cytogenetic location: 7q22.3.
Variant type: single nucleotide variant.
Coding change: c.1204G>T on transcript NM_000441.2 (MANE Select); coding-DNA position 1204, G replaced by T.
Protein change: p.Val402Leu; replaces valine 402 with leucine.
Molecular consequence: missense variant.
Genome position (GRCh38, 1-based): chr7:107,690,178, G>T. VCF-style: chr7-107690178-G-T. GRCh37 (hg19) VCF-style: chr7-107330623-G-T.
Other names: short protein forms V402L.
Identifiers: ClinVar variation 4818361 (VCV004818361.1).